The following is an entry in ClinVar:

ClinVar aggregate classification (germline): Conflicting classifications of pathogenicity. Review status: criteria provided, conflicting classifications (1 of 4 stars). 11 submissions from 11 submitters: Uncertain significance (2); Benign (1); Likely benign (7). 1 of the submissions does not count toward it. Last evaluated 2026-01-31.

Conditions:
ATM-related disorder. Also called: ATM-related disorders; ATM-related condition.
Hereditary cancer-predisposing syndrome. Also called: Neoplastic Syndromes, Hereditary; Hereditary Cancer Syndrome; Tumor predisposition; Hereditary neoplastic syndrome. Identifiers: Orphanet 140162, MedGen C0027672, MeSH D009386, MONDO:0015356.
Familial cancer of breast. Also called: BREAST CANCER, FAMILIAL; hereditary breast carcinoma; Hereditary breast cancer. Identifiers: Orphanet 227535, MedGen C0346153, MONDO:0016419, OMIM 114480. Disease mechanism: loss of function.
Ataxia-telangiectasia syndrome (AT). Also called: Ataxia-telangiectasia, complementation group D; AT, COMPLEMENTATION GROUP C; Ataxia-telangiectasia; ATAXIA-TELANGIECTASIA, COMPLEMENTATION GROUP A; ATAXIA-TELANGIECTASIA, FRESNO VARIANT; Ataxia-telangiectasia, complementation group E. Identifiers: Orphanet 100, MedGen C0004135, MONDO:0008840, OMIM 208900.

Allele frequency attached by ClinVar (database versions not stated): TOPMed 0.00030.
gnomAD v4.1: 69 of 1,613,754 alleles (0.0043%); highest among the groups gnomAD compares: African/African-American, 0.088%; no homozygotes.

Submissions (11):

Labcorp Genetics (formerly Invitae), Labcorp
Classification: Likely benign for Ataxia-telangiectasia syndrome. Last evaluated: 2026-01-31. Review status: criteria provided, single submitter. Criteria: Invitae Variant Classification Sherloc (09022015). Collection method: clinical testing. Allele origin: germline.

Women's Health and Genetics/Laboratory Corporation of America, LabCorp
Classification: Likely benign. Last evaluated: 2025-04-22. Review status: criteria provided, single submitter. Criteria: LabCorp Variant Classification Summary - May 2015. Collection method: clinical testing. Allele origin: germline.
Comment: Variant summary: ATM c.6998C>T (p.Thr2333Ile) results in a non-conservative amino acid change located in the PIK-related kinase, FAT domain (IPR003151) of the encoded protein sequence. Three of four in-silico tools predict a benign effect of the variant on protein function. The variant allele was found at a frequency of 4.8e-05 in 251024 control chromosomes, predominantly at a frequency of 0.00074 within the African or African-American subpopulation in the gnomAD database. This frequency is not significantly higher than estimated for a pathogenic variant in ATM causing Breast Cancer (4.8e-05 vs 0.001), allowing no conclusion about variant significance. However, this variant has also been reported in 6/2559 African American women (i.e. with an allele frequency of 0.0012) who were older than age 70 and cancer free (FLOSSIES database), supporting a benign role for the variant. The variant, c.6998C>T, has been reported in the literature in an individuals affected with Lung adenocarcinoma or breast/ovarian cancer (Parry_2017, Gifoni_2022). This report does not provide unequivocal conclusions about association of the variant with Breast Cancer or Ataxia-Telangiectasia. To our knowledge, no experimental evidence demonstrating an impact on protein function has been reported. The following publications have been ascertained in the context of this evaluation (PMID: 35957908, 28843361). ClinVar contains an entry for this variant (Variation ID: 127435). Based on the evidence outlined above, the variant was classified as likely benign.

GeneDx
Classification: Uncertain significance. Last evaluated: 2025-01-26. Review status: criteria provided, single submitter. Criteria: GeneDx Variant Classification Process June 2021. Collection method: clinical testing. Allele origin: germline. Affected: yes.
Comment: In silico analysis indicates that this missense variant does not alter protein structure/function; This variant is associated with the following publications: (PMID: 21665257, 23532176, 28843361, 35957908)

Quest Diagnostics Nichols Institute San Juan Capistrano
Classification: Likely benign. Last evaluated: 2024-11-22. Review status: criteria provided, single submitter. Criteria: Quest Diagnostics criteria. Collection method: clinical testing. Allele origin: unknown.

Color Diagnostics, LLC DBA Color Health
Classification: Likely benign for Hereditary cancer-predisposing syndrome. Last evaluated: 2024-09-18. Review status: criteria provided, single submitter. Criteria: ACMG Guidelines, 2015. Collection method: clinical testing. Allele origin: germline.

Myriad Genetics, Inc.
Classification: Likely benign for Familial cancer of breast. Last evaluated: 2024-06-12. Review status: criteria provided, single submitter. Criteria: Myriad Autosomal Dominant, Autosomal Recessive and X-Linked Classification Criteria (2023). Collection method: clinical testing. Allele origin: unknown.
Comment: This variant is considered likely benign. This variant is strongly associated with less severe personal and family histories of cancer, typical for individuals without pathogenic variants in this gene [PMID: 25085752].

Blueprint Genetics
Classification: Likely benign. Last evaluated: 2023-08-30. Review status: criteria provided, single submitter. Criteria: ACMG Guidelines, 2015. Collection method: clinical testing. Allele origin: germline.

Mendelics
Classification: Benign. Last evaluated: 2022-05-04. Review status: criteria provided, single submitter. Criteria: Mendelics Assertion Criteria 2019. Collection method: clinical testing. Allele origin: germline.

Sema4
Classification: Uncertain significance for Hereditary cancer-predisposing syndrome. Last evaluated: 2021-12-16. Review status: criteria provided, single submitter. Criteria: Sema4 Curation Guidelines. Collection method: curation. Allele origin: germline.
Comment: The ATM c.6998C>T (p.T2333I) variant has been reported in heterozygosity in one individual with lung adenocarcinoma (PMID: 28843361). It was observed in 21/24960 chromosomes in the African/African American subpopulation according to the Genome Aggregation Database (PMID: 32461654). This variant has been reported in ClinVar (Variation ID: 127435). Functional studies have not been performed, and in silico predictions of the variant's effect on protein function are inconclusive. The evidence is insufficient to meet ACMG/AMP criteria for classifying the variant as benign or pathogenic. Thus, the clinical significance of this variant is currently uncertain.

Ambry Genetics
Classification: Likely benign for Hereditary cancer-predisposing syndrome. Last evaluated: 2019-01-14. Review status: criteria provided, single submitter. Criteria: Ambry Variant Classification Scheme 2023. Collection method: clinical testing. Allele origin: germline.

PreventionGenetics, part of Exact Sciences
Classification: Likely benign for ATM-related condition. Last evaluated: 2023-07-28. Review status: no assertion criteria provided. Collection method: clinical testing. Allele origin: germline. Not counted in ClinVar's aggregate classification.
Comment: This variant is classified as likely benign based on ACMG/AMP sequence variant interpretation guidelines (Richards et al. 2015 PMID: 25741868, with internal and published modifications).

Literature cited by the submitters: PubMed 28843361 (cited by Women's Health and Genetics/Laboratory Corporation of America, LabCorp and Sema4); PubMed 35957908 (cited by Women's Health and Genetics/Laboratory Corporation of America, LabCorp); PubMed 25085752 (cited by Myriad Genetics, Inc.).

NM_000051.4(ATM):c.6998C>T (p.Thr2333Ile)

Genes: ATM (ATM serine/threonine kinase; plus strand), C11orf65 (chromosome 11 open reading frame 65; minus strand). Cytogenetic location: 11q22.3.
Variant type: single nucleotide variant.
Coding change: c.6998C>T on transcript NM_000051.4 (MANE Select); coding-DNA position 6998, C replaced by T.
Protein change: p.Thr2333Ile; replaces threonine 2333 with isoleucine.
Molecular consequence: missense variant. On other transcripts: intron variant (2).
Genome position (GRCh38, 1-based): chr11:108,327,667, C>T. VCF-style: chr11-108327667-C-T. GRCh37 (hg19) VCF-style: chr11-108198394-C-T.
Other names: p.T2333I:ACA>ATA; c.641-18596G>A (NM_001330368.2); c.*38+7553G>A (NM_001351110.2); c.6998C>T, p.Thr2333Ile (NM_001351834.2); short protein forms T2333I.
Identifiers: ClinVar variation 127435 (VCV000127435.37), dbSNP rs150503164, ClinGen allele CA286960.
Genomic context (GRCh38, chr11:108,327,667, plus strand): 5'-AATGCATTATATTTTAAGATTTTGCCTTTCTTATACAGAACAATCCCAGCCTAAAACTTA[C>T]ATACACAGAATGTCTGAGGGTTTGTGGCAACTGGTTAGCAGAAACGTGCTTAGAAAATCC-3'
Protein context (NP_000042.3, residues 2323-2343): CAANNPSLKL[Thr2333Ile]YTECLRVCGN